The following is an entry in ClinVar:

ClinVar aggregate classification (germline): Uncertain significance. Review status: criteria provided, multiple submitters, no conflicts (2 of 4 stars). 2 submissions from 2 submitters: Uncertain significance (2). Last evaluated 2025-04-30.

Conditions:
Primary dilated cardiomyopathy (DCM). Also called: Dilated Cardiomyopathy. Identifiers: Orphanet 217604, MedGen C0007193, MeSH D002311, MONDO:0005021, HP:0001644. Inheritance: Various modes of inheritance.

Allele frequency attached by ClinVar (database versions not stated): gnomAD exomes 0.00001 and 0.00004; ExAC 0.00002; gnomAD 0.00009; TOPMed 0.00010; 1000 Genomes Project 30x 0.00016; 1000 Genomes Project 0.00020; ESP Exome Variant Server 0.00038.
gnomAD v4.1: 21 of 1,613,538 alleles (0.0013%); highest among the groups gnomAD compares: African/African-American, 0.017%; no homozygotes.

Submissions (2):

Ambry Genetics
Classification: Uncertain significance. Last evaluated: 2025-04-30. Review status: criteria provided, single submitter. Criteria: Ambry Variant Classification Scheme 2023. Collection method: clinical testing. Allele origin: germline.

Labcorp Genetics (formerly Invitae), Labcorp
Classification: Uncertain significance for Primary dilated cardiomyopathy. Last evaluated: 2025-04-02. Review status: criteria provided, single submitter. Criteria: Invitae Variant Classification Sherloc (09022015). Collection method: clinical testing. Allele origin: germline.
Comment: This sequence change replaces aspartic acid, which is acidic and polar, with asparagine, which is neutral and polar, at codon 274 of the FHL2 protein (p.Asp274Asn). This variant is present in population databases (rs145070796, gnomAD 0.03%). This variant has not been reported in the literature in individuals affected with FHL2-related conditions. ClinVar contains an entry for this variant (Variation ID: 948240). Invitae Evidence Modeling of protein sequence and biophysical properties (such as structural, functional, and spatial information, amino acid conservation, physicochemical variation, residue mobility, and thermodynamic stability) indicates that this missense variant is not expected to disrupt FHL2 protein function with a negative predictive value of 80%. In summary, the available evidence is currently insufficient to determine the role of this variant in disease. Therefore, it has been classified as a Variant of Uncertain Significance.

NM_001318895.3(FHL2):c.820G>A (p.Asp274Asn)

Genes: C2orf49 (chromosome 2 open reading frame 49; plus strand), FHL2 (four and a half LIM domains 2; minus strand). Cytogenetic location: 2q12.2.
Variant type: single nucleotide variant.
Coding change: c.820G>A on transcript NM_001318895.3 (MANE Select); coding-DNA position 820, G replaced by A.
Protein change: p.Asp274Asn; replaces aspartic acid 274 with asparagine.
Molecular consequence: missense variant.
Genome position (GRCh38, 1-based): chr2:105,361,303, C>T on the plus strand (G>A on the coding strand, the complement: FHL2 is on the minus strand). VCF-style: chr2-105361303-C-T. GRCh37 (hg19) VCF-style: chr2-105977760-C-T.
Other names: c.820G>A, p.Asp274Asn (NM_001039492.3, NM_001318894.1, NM_001318896.2 and 4 more transcripts); c.478G>A, p.Asp160Asn (NM_001318897.2, NM_001318898.2); c.496G>A, p.Asp166Asn (NM_001318899.2); short protein forms D160N, D166N, D274N.
Identifiers: ClinVar variation 948240 (VCV000948240.7), dbSNP rs145070796, ClinGen allele CA1814648.